The following is an entry in ClinVar:

ClinVar aggregate classification (germline): Pathogenic (1 of 4 stars; one submission).

Conditions:
Compton-North congenital myopathy (CMYO12). Identifiers: Orphanet 210163, MedGen C2675527, MONDO:0012929, OMIM 612540.

Submission:

Labcorp Genetics (formerly Invitae), Labcorp
Classification: Pathogenic for Compton-North congenital myopathy. Last evaluated: 2022-03-08. Review status: criteria provided, single submitter. Criteria: Invitae Variant Classification Sherloc (09022015). Collection method: clinical testing. Allele origin: germline.
Comment: For these reasons, this variant has been classified as Pathogenic. ClinVar contains an entry for this variant (Variation ID: 568623). This variant has not been reported in the literature in individuals affected with CNTN1-related conditions. This variant is not present in population databases (gnomAD no frequency). This sequence change creates a premature translational stop signal (p.Val74Glyfs*8) in the CNTN1 gene. It is expected to result in an absent or disrupted protein product. Loss-of-function variants in CNTN1 are known to be pathogenic (PMID: 19026398, 22242131).

Literature cited by the submitters: PubMed 19026398; PubMed 22242131.

NM_001843.4(CNTN1):c.215dup (p.Val74fs)

Gene: CNTN1 (contactin 1; plus strand). Cytogenetic location: 12q12.
Variant type: Duplication.
Coding change: c.215dup on transcript NM_001843.4 (MANE Select); coding-DNA position 215, one base duplicated (T; older notation c.215dupT).
Protein change: p.Val74fs; shifts the reading frame from valine 74.
Molecular consequence: frameshift variant.
Genome position (GRCh38, 1-based): chr12:40,918,759, T duplicated; the last of 3 consecutive T bases (chr12:40,918,757-40,918,759); duplicating any one gives the same sequence. VCF-style (leftmost placement, unchanged base first): chr12-40918756-C-CT. GRCh37 (hg19) VCF-style: chr12-41312558-C-CT.
Other names: c.215dupT (NM_001843.3); c.215dup, p.Val74fs (NM_001256063.2, NM_001256064.2); c.182dup, p.Val63fs (NM_175038.2); short protein forms V74fs, V63fs.
Identifiers: ClinVar variation 568623 (VCV000568623.7), dbSNP rs1565946117, ClinGen allele CA891843480.